The following is an entry in ClinVar:

ClinVar aggregate classification (germline): Uncertain significance. Review status: criteria provided, multiple submitters, no conflicts (2 of 4 stars). 2 submissions from 2 submitters: Uncertain significance (2). Last evaluated 2024-05-20.

Conditions:
Usher syndrome type 2A. Also called: RETINAL DISEASE IN USHER SYNDROME TYPE IIA, MODIFIER OF; USHER SYNDROME, TYPE IIA. Identifiers: Orphanet 231178, Orphanet 886, MedGen C1848634, MONDO:0010169, OMIM 276901.
Retinitis pigmentosa 39 (RP39). Identifiers: Orphanet 791, MedGen C3151138, MONDO:0013436, OMIM 613809.

Allele frequency attached by ClinVar (database versions not stated): gnomAD exomes below 0.00001; gnomAD 0.00001.
gnomAD v4.1: 3 of 1,613,532 alleles (0.00019%); highest among the groups gnomAD compares: Non-Finnish European, 0.00025%; no homozygotes.

Submissions (2):

Fulgent Genetics
Classification: Uncertain significance for Usher syndrome type 2A; Retinitis pigmentosa 39. Last evaluated: 2024-05-20. Review status: criteria provided, single submitter. Criteria: ACMG Guidelines, 2015. Collection method: clinical testing. Allele origin: germline.

Labcorp Genetics (formerly Invitae), Labcorp
Classification: Uncertain significance. Last evaluated: 2021-08-27. Review status: criteria provided, single submitter. Criteria: Invitae Variant Classification Sherloc (09022015). Collection method: clinical testing. Allele origin: germline.
Comment: This sequence change replaces lysine with glutamine at codon 2312 of the USH2A protein (p.Lys2312Gln). The lysine residue is highly conserved and there is a small physicochemical difference between lysine and glutamine. This variant is not present in population databases (ExAC no frequency). This variant has not been reported in the literature in individuals affected with USH2A-related conditions. Algorithms developed to predict the effect of missense changes on protein structure and function are either unavailable or do not agree on the potential impact of this missense change (SIFT: "Deleterious"; PolyPhen-2: "Benign"; Align-GVGD: "Class C0"). In summary, the available evidence is currently insufficient to determine the role of this variant in disease. Therefore, it has been classified as a Variant of Uncertain Significance.

NM_206933.4(USH2A):c.6934A>C (p.Lys2312Gln)

Gene: USH2A (usherin; minus strand). Cytogenetic location: 1q41.
Variant type: single nucleotide variant.
Coding change: c.6934A>C on transcript NM_206933.4 (MANE Select); coding-DNA position 6934, A replaced by C.
Protein change: p.Lys2312Gln; replaces lysine 2312 with glutamine.
Molecular consequence: missense variant.
Genome position (GRCh38, 1-based): chr1:215,970,648, T>G on the plus strand (A>C on the coding strand, the complement: USH2A is on the minus strand). VCF-style: chr1-215970648-T-G. GRCh37 (hg19) VCF-style: chr1-216143990-T-G.
Other names: short protein forms K2312Q.
Identifiers: ClinVar variation 1467005 (VCV001467005.6), dbSNP rs1393581129, ClinGen allele CA344853938.